The following is an entry in ClinVar:

NM_001206927.2(DNAH8):c.7850C>T (p.Thr2617Ile)

Gene: DNAH8 (dynein axonemal heavy chain 8; plus strand). Cytogenetic location: 6p21.2.
Variant type: single nucleotide variant.
Coding change: c.7850C>T on transcript NM_001206927.2 (MANE Select); coding-DNA position 7850, C replaced by T.
Protein change: p.Thr2617Ile; replaces threonine 2617 with isoleucine.
Molecular consequence: missense variant.
Genome position (GRCh38, 1-based): chr6:38,875,820, C>T. VCF-style: chr6-38875820-C-T. GRCh37 (hg19) VCF-style: chr6-38843596-C-T.
Other names: c.7199C>T, p.Thr2400Ile (NM_001371.4); short protein forms T2617I, T2400I.
Identifiers: ClinVar variation 663995 (VCV000663995.9), dbSNP rs778554035, ClinGen allele CA3790024.

ClinVar aggregate classification (germline): Uncertain significance (1 of 4 stars; one submission).

Conditions:
Primary ciliary dyskinesia. Also called: Ciliary dyskinesia. Identifiers: Orphanet 244, MedGen C0008780, MONDO:0016575, HP:0012265.

Allele frequency attached by ClinVar (database versions not stated): ExAC 0.00001; gnomAD 0.00001; TOPMed 0.00002; gnomAD exomes 0.00003.
gnomAD v4.1: 128 of 1,607,794 alleles (0.008%); highest among the groups gnomAD compares: Non-Finnish European, 0.011%; no homozygotes.

Submission:

Labcorp Genetics (formerly Invitae), Labcorp
Classification: Uncertain significance for Primary ciliary dyskinesia. Last evaluated: 2024-04-30. Review status: criteria provided, single submitter. Criteria: Invitae Variant Classification Sherloc (09022015). Collection method: clinical testing. Allele origin: germline.
Comment: This sequence change replaces threonine, which is neutral and polar, with isoleucine, which is neutral and non-polar, at codon 2617 of the DNAH8 protein (p.Thr2617Ile). This variant is present in population databases (rs778554035, gnomAD 0.006%). This variant has not been reported in the literature in individuals affected with DNAH8-related conditions. ClinVar contains an entry for this variant (Variation ID: 663995). Experimental studies and prediction algorithms are not available or were not evaluated, and the functional significance of this variant is currently unknown. In summary, the available evidence is currently insufficient to determine the role of this variant in disease. Therefore, it has been classified as a Variant of Uncertain Significance.